The following is an entry in ClinVar:

NM_018451.5(CPAP):c.253C>A (p.Pro85Thr)

Gene: CPAP (centrosome assembly and centriole elongation protein; minus strand). Cytogenetic location: 13q12.13.
Variant type: single nucleotide variant.
Coding change: c.253C>A on transcript NM_018451.5 (MANE Select); coding-DNA position 253, C replaced by A.
Protein change: p.Pro85Thr; replaces proline 85 with threonine.
Molecular consequence: missense variant. On other transcripts: non-coding transcript variant (2).
Genome position (GRCh38, 1-based): chr13:24,912,773, G>T on the plus strand (C>A on the coding strand, the complement: CPAP is on the minus strand). VCF-style: chr13-24912773-G-T. GRCh37 (hg19) VCF-style: chr13-25486911-G-T.
Other names: short protein forms P85T.
Identifiers: ClinVar variation 158203 (VCV000158203.28), dbSNP rs9511510, ClinGen allele CA171684.

ClinVar aggregate classification (germline): Benign. Review status: criteria provided, multiple submitters, no conflicts (2 of 4 stars). 11 submissions from 10 submitters: Benign (9). 2 of the submissions do not count toward it. Last evaluated 2026-02-02.

Conditions:
Seckel syndrome 4 (SCKL4). Identifiers: Orphanet 808, MedGen C3888212, MONDO:0013358, OMIM 613676.
Microcephaly 6, primary, autosomal recessive. Identifiers: Orphanet 2512, MedGen C1842109, MONDO:0012029, OMIM 608393.

Allele frequency attached by ClinVar (database versions not stated): gnomAD 0.09944 and 0.10060; ExAC 0.10922; ESP Exome Variant Server 0.10503; 1000 Genomes Project 0.06090; TOPMed 0.09622; 1000 Genomes Project 30x 0.06027; gnomAD exomes 0.10996.
gnomAD v4.1: 206,539 of 1,613,882 alleles (13%); highest among the groups gnomAD compares: Non-Finnish European, 14%; 14,400 homozygotes.

Submissions (11):

Labcorp Genetics (formerly Invitae), Labcorp
Classification: Benign. Last evaluated: 2026-02-02. Review status: criteria provided, single submitter. Criteria: Invitae Variant Classification Sherloc (09022015). Collection method: clinical testing. Allele origin: germline.

Illumina Laboratory Services, Illumina
Classification: Benign for Seckel syndrome 4. Last evaluated: 2018-01-12. Review status: criteria provided, single submitter. Criteria: ICSL Variant Classification Criteria 13 December 2019. Collection method: clinical testing. Allele origin: germline.
Comment: This variant was observed in the ICSL laboratory as part of a predisposition screen in an ostensibly healthy population. It had not been previously curated by ICSL or reported in the Human Gene Mutation Database (HGMD: prior to June 1st, 2018), and was therefore a candidate for classification through an automated scoring system. Utilizing variant allele frequency, disease prevalence and penetrance estimates, and inheritance mode, an automated score was calculated to assess if this variant is too frequent to cause the disease. Based on the score and internal cut-off values, a variant classified as benign is not then subjected to further curation. The score for this variant resulted in a classification of benign for this disease.

Illumina Laboratory Services, Illumina
Classification: Benign for Microcephaly 6, primary, autosomal recessive. Last evaluated: 2018-01-12. Review status: criteria provided, single submitter. Criteria: ICSL Variant Classification Criteria 13 December 2019. Collection method: clinical testing. Allele origin: germline.
Comment: the same text as in the submission from Illumina Laboratory Services, Illumina above.

Athena Diagnostics
Classification: Benign. Last evaluated: 2017-04-20. Review status: criteria provided, single submitter. Criteria: Athena Diagnostics Criteria. Collection method: clinical testing. Allele origin: germline.

GeneDx
Classification: Benign. Last evaluated: 2015-03-03. Review status: criteria provided, single submitter. Criteria: GeneDx Variant Classification Process June 2021. Collection method: clinical testing. Allele origin: germline. Affected: yes.

Eurofins Ntd Llc (ga)
Classification: Benign. Last evaluated: 2014-04-08. Review status: criteria provided, single submitter. Criteria: EGL Classification Definitions 2015. Collection method: clinical testing. Allele origin: germline. Observed: 2 variant alleles, 2 heterozygotes.

Genetic Services Laboratory, University of Chicago
Classification: Benign. Last evaluated: 2013-02-08. Review status: criteria provided, single submitter. Criteria: ACMG Guidelines, 2007. Collection method: clinical testing. Allele origin: germline. Inheritance: Autosomal recessive inheritance.

Breakthrough Genomics
Classification: Benign. Review status: criteria provided, single submitter. Criteria: ACMG Guidelines, 2015. Collection method: not provided. Allele origin: germline. Inheritance: Autosomal recessive inheritance. Affected: yes.

PreventionGenetics, part of Exact Sciences
Classification: Benign. Review status: criteria provided, single submitter. Criteria: ACMG Guidelines, 2015. Collection method: clinical testing. Allele origin: germline.

Clinical Genetics DNA and cytogenetics Diagnostics Lab, Erasmus MC, Erasmus Medical Center
Classification: Benign. Review status: no assertion criteria provided. Collection method: clinical testing. Allele origin: germline. Affected: yes. Study: VKGL Data-share Consensus. Not counted in ClinVar's aggregate classification.

Joint Genome Diagnostic Labs from Nijmegen and Maastricht, Radboudumc and MUMC+
Classification: Benign. Review status: no assertion criteria provided. Collection method: clinical testing. Allele origin: germline. Affected: yes. Study: VKGL Data-share Consensus. Not counted in ClinVar's aggregate classification.